The following is an entry in ClinVar:

ClinVar aggregate classification (germline): Likely pathogenic. Review status: criteria provided, single submitter (1 of 4 stars). 2 submissions from 2 submitters: Likely pathogenic (1). 1 of the submissions does not count toward it. Last evaluated 2024-10-04.

Conditions:
Desbuquois dysplasia 1 (DBQD1). Also called: MICROMELIC DWARFISM WITH VERTEBRAL AND METAPHYSEAL ABNORMALITIES AND ADVANCED CARPOTARSAL OSSIFICATION; DESBUQUOIS DYSPLASIA 1, KIM VARIANT. Identifiers: Orphanet 1425, MedGen C4012146, MONDO:0009629, OMIM 251450.

Allele frequency attached by ClinVar (database versions not stated): gnomAD 0.00001; gnomAD exomes below 0.00001.
gnomAD v4.1: 6 of 1,597,790 alleles (0.00038%); highest among the groups gnomAD compares: South Asian, 0.0011%; no homozygotes.

Submissions (2):

Dubai Health Genomic Medicine Center, Dubai Health
Classification: Likely pathogenic for Desbuquois dysplasia 1. Last evaluated: 2024-10-04. Review status: criteria provided, single submitter. Criteria: ACMG Guidelines, 2015. Collection method: research. Allele origin: germline. Affected: yes.
Comment: PS3,PM3(strong),PM2,PP3

OMIM
Classification: Pathogenic for DESBUQUOIS DYSPLASIA 1. Last evaluated: 2009-11-01. Review status: no assertion criteria provided. Collection method: literature only. Allele origin: germline. Not counted in ClinVar's aggregate classification.

Literature cited by the submitters: PubMed 19853239 (cited by OMIM).

NM_001159773.2(CANT1):c.899G>A (p.Arg300His)

Gene: CANT1 (calcium activated nucleotidase 1; minus strand). Cytogenetic location: 17q25.3.
Variant type: single nucleotide variant.
Coding change: c.899G>A on transcript NM_001159773.2 (MANE Select); coding-DNA position 899, G replaced by A.
Protein change: p.Arg300His; replaces arginine 300 with histidine.
Molecular consequence: missense variant.
Genome position (GRCh38, 1-based): chr17:78,993,857, C>T on the plus strand (G>A on the coding strand, the complement: CANT1 is on the minus strand). VCF-style: chr17-78993857-C-T. GRCh37 (hg19) VCF-style: chr17-76989939-C-T.
Other names: c.899G>A, p.Arg300His (NM_001159772.2, NM_138793.4); short protein forms R300H.
Identifiers: ClinVar variation 280 (VCV000000280.2), dbSNP rs267606699, ClinGen allele CA114110.